The following is an entry in ClinVar:

NM_001904.4(CTNNB1):c.274C>T (p.Gln92Ter)

Genes: CTNNB1 (catenin beta 1; plus strand), LOC126806658 (BRD4-independent group 4 enhancer GRCh37_chr3:41265899-41267098; plus strand). Cytogenetic location: 3p22.1.
Variant type: single nucleotide variant.
Coding change: c.274C>T on transcript NM_001904.4 (MANE Select); coding-DNA position 274, C replaced by T.
Protein change: p.Gln92Ter; replaces glutamine 92 with a stop codon.
Molecular consequence: nonsense.
Genome position (GRCh38, 1-based): chr3:41,224,986, C>T. VCF-style: chr3-41224986-C-T. GRCh37 (hg19) VCF-style: chr3-41266477-C-T.
Other names: c.274C>T, p.Gln92Ter (NM_001098209.2, NM_001098210.2); c.253C>T, p.Gln85Ter (NM_001330729.2); short protein forms Q85*, Q92*.
Identifiers: ClinVar variation 987238 (VCV000987238.5), dbSNP rs2078141257, ClinGen allele CA352228927.
Genomic context (GRCh38, chr3:41,224,986, plus strand): 5'-TAGTGAGTGTTGAATTAACCTTTTCCAGATATTGATGGACAGTATGCAATGACTCGAGCT[C>T]AGAGGGTACGAGCTGCTATGTTCCCTGAGACATTAGATGAGGGCATGCAGATCCCATCTA-3'

ClinVar aggregate classification (germline): Pathogenic. Review status: criteria provided, multiple submitters, no conflicts (2 of 4 stars). 3 submissions from 3 submitters: Pathogenic (3). Last evaluated 2024-10-21.

Conditions:
CTNNB1-related disorder. Also called: CTNNB1-related condition.

Submissions (3):

GeneDx
Classification: Pathogenic. Last evaluated: 2024-10-21. Review status: criteria provided, single submitter. Criteria: GeneDx Variant Classification Process June 2021. Collection method: clinical testing. Allele origin: germline. Affected: yes.
Comment: Nonsense variant predicted to result in protein truncation or nonsense mediated decay in a gene for which loss of function is a known mechanism of disease; Not observed at significant frequency in large population cohorts (gnomAD); This variant is associated with the following publications: (PMID: 26633542, 33057194, 35982159, 31526516)

Blueprint Genetics
Classification: Pathogenic for CTNNB1-related disorders. Last evaluated: 2021-05-13. Review status: criteria provided, single submitter. Criteria: ACMG Guidelines, 2015. Collection method: clinical testing. Allele origin: germline. Affected: yes. Observed: 1 variant allele.

Institute of Medical Genetics and Applied Genomics, University Hospital Tübingen
Classification: Pathogenic. Last evaluated: 2020-10-23. Review status: criteria provided, single submitter. Criteria: ACMG Guidelines, 2015. Collection method: clinical testing. Allele origin: germline. Inheritance: Unknown mechanism. Affected: yes.